The following is an entry in ClinVar:

ClinVar aggregate classification (germline): Benign (1 of 4 stars; one submission).

Conditions:
Sorsby fundus dystrophy (SFD). Also called: MACULAR DYSTROPHY, HEMORRHAGIC; FUNDUS DYSTROPHY, PSEUDOINFLAMMATORY, OF SORSBY; Sorsby fundus dystrophy, Lavia type. Identifiers: Orphanet 59181, MedGen C1850938, MONDO:0007640, OMIM 136900.

Allele frequency attached by ClinVar (database versions not stated): TOPMed 0.00008; gnomAD 0.00013 and 0.00006; 1000 Genomes Project 30x 0.00031; 1000 Genomes Project 0.00040.
gnomAD v4.1: 19 of 152,322 alleles (0.012%); highest among the groups gnomAD compares: South Asian, 0.23%; no homozygotes.

Submission:

Illumina Laboratory Services, Illumina
Classification: Benign for Sorsby fundus dystrophy. Last evaluated: 2018-01-13. Review status: criteria provided, single submitter. Criteria: ICSL Variant Classification Criteria 13 December 2019. Collection method: clinical testing. Allele origin: germline.
Comment: This variant was observed in the ICSL laboratory as part of a predisposition screen in an ostensibly healthy population. It had not been previously curated by ICSL or reported in the Human Gene Mutation Database (HGMD: prior to June 1st, 2018), and was therefore a candidate for classification through an automated scoring system. Utilizing variant allele frequency, disease prevalence and penetrance estimates, and inheritance mode, an automated score was calculated to assess if this variant is too frequent to cause the disease. Based on the score and internal cut-off values, a variant classified as benign is not then subjected to further curation. The score for this variant resulted in a classification of benign for this disease.

NM_000362.4(TIMP3):c.-533G>A

Genes: SYN3 (synapsin III; minus strand), TIMP3 (TIMP metallopeptidase inhibitor 3; plus strand). Cytogenetic location: 22q12.3.
Variant type: single nucleotide variant.
Coding change: c.-533G>A on transcript NM_000362.4; 533 bases upstream of the start codon, G replaced by A.
Molecular consequence: intron variant (on NM_003490.4).
Genome position (GRCh38, 1-based): chr22:32,801,469, G>A. VCF-style: chr22-32801469-G-A. GRCh37 (hg19) VCF-style: chr22-33197455-G-A.
Other names: c.708+63446C>T (NM_001369909.1, NM_001135774.2, NM_001369910.1); c.711+63446C>T (NM_001369907.1, NM_003490.4, NM_001369908.1 and 1 more transcripts).
Identifiers: ClinVar variation 341332 (VCV000341332.7), dbSNP rs563393354, ClinGen allele CA10653393.